The following is an entry in ClinVar:

ClinVar aggregate classification (germline): Uncertain significance (1 of 4 stars; one submission).

Conditions:
Familial cancer of breast. Also called: Hereditary breast cancer; hereditary breast carcinoma; BREAST CANCER, FAMILIAL. Identifiers: Orphanet 227535, MedGen C0346153, MONDO:0016419, OMIM 114480. Disease mechanism: loss of function.

Submission:

Labcorp Genetics (formerly Invitae), Labcorp
Classification: Uncertain significance for Familial cancer of breast. Last evaluated: 2020-01-31. Review status: criteria provided, single submitter. Criteria: Invitae Variant Classification Sherloc (09022015). Collection method: clinical testing. Allele origin: germline.
Comment: In summary, the available evidence is currently insufficient to determine the role of this variant in disease. Therefore, it has been classified as a Variant of Uncertain Significance. Nucleotide substitutions within the consensus splice site are a relatively common cause of aberrant splicing (PMID: 17576681, 9536098). Algorithms developed to predict the effect of sequence changes on RNA splicing suggest that this variant is not likely to affect RNA splicing, but this prediction has not been confirmed by published transcriptional studies. This variant has not been reported in the literature in individuals with CHEK2-related conditions. This variant is not present in population databases (ExAC no frequency). This sequence change falls in intron 4 of the CHEK2 gene. It does not directly change the encoded amino acid sequence of the CHEK2 protein, but it affects a nucleotide within the consensus splice site of the intron.

Literature cited by the submitters: PubMed 17576681; PubMed 9536098.

NM_007194.4(CHEK2):c.593-3T>C

Gene: CHEK2 (checkpoint kinase 2; minus strand). Cytogenetic location: 22q12.1.
Variant type: single nucleotide variant.
Coding change: c.593-3T>C on transcript NM_007194.4 (MANE Select); 3 bases into the intron before coding-DNA position 593, T replaced by C.
Molecular consequence: intron variant.
Genome position (GRCh38, 1-based): chr22:28,719,488, A>G on the plus strand (T>C on the coding strand, the complement: CHEK2 is on the minus strand). VCF-style: chr22-28719488-A-G. GRCh37 (hg19) VCF-style: chr22-29115476-A-G.
Other names: c.-71-3T>C (NM_001437942.1, NM_001257387.3); c.482+5398T>C (NM_001349956.3); c.593-3T>C (NM_145862.3); c.686-3T>C (NM_001438295.1, NM_001438293.1); c.722-3T>C (NM_001438294.1, NM_001005735.3).
Identifiers: ClinVar variation 1044667 (VCV001044667.10), dbSNP rs2053697211, ClinGen allele CA2400249370.